The following is an entry in ClinVar:

NM_001042492.3(NF1):c.479+2T>A

Gene: NF1 (neurofibromin 1; plus strand). Cytogenetic location: 17q11.2.
Variant type: single nucleotide variant.
Coding change: c.479+2T>A on transcript NM_001042492.3 (MANE Select); the canonical splice donor site of the intron after coding-DNA position 479, T replaced by A.
Molecular consequence: splice donor variant.
Genome position (GRCh38, 1-based): chr17:31,163,378, T>A. VCF-style: chr17-31163378-T-A. GRCh37 (hg19) VCF-style: chr17-29490396-T-A.
Other names: c.479+2T>A (NM_000267.4, NM_001128147.3).
Identifiers: ClinVar variation 2131893 (VCV002131893.4), dbSNP rs2143674150, ClinGen allele CA398982226.
Genomic context (GRCh38, chr17:31,163,378, plus strand): 5'-GTTTTATTTTCTCTCAGCTGCAACAACTTCAATGCAGTCTTTAGTCGCATTTCTACCAGG[T>A]TAGTGTGTAAATCCACATGGGACTACTGAAGTAATATGAATATTAGAAGTTTTGTTTTTT-3'

ClinVar aggregate classification (germline): Pathogenic (1 of 4 stars; one submission).

Conditions:
Neurofibromatosis, type 1 (NF1). Also called: Peripheral type neurofibromatosis; NEUROFIBROMATOSIS, TYPE I, SOMATIC; Neurofibromatosis, type I; VON RECKLINGHAUSEN DISEASE. Identifiers: Orphanet 636, MedGen C0027831, MONDO:0018975, OMIM 162200. Disease mechanism: loss of function.

Submission:

Labcorp Genetics (formerly Invitae), Labcorp
Classification: Pathogenic for Neurofibromatosis, type 1. Last evaluated: 2023-11-17. Review status: criteria provided, single submitter. Criteria: Invitae Variant Classification Sherloc (09022015). Collection method: clinical testing. Allele origin: germline.
Comment: This sequence change affects a donor splice site in intron 4 of the NF1 gene. It is expected to disrupt RNA splicing. Variants that disrupt the donor or acceptor splice site typically lead to a loss of protein function (PMID: 16199547), and loss-of-function variants in NF1 are known to be pathogenic (PMID: 10712197, 23913538). This variant is not present in population databases (gnomAD no frequency). Disruption of this splice site has been observed in individual(s) with neurofibromatosis type I (PMID: 18041031). ClinVar contains an entry for this variant (Variation ID: 2131893). Algorithms developed to predict the effect of sequence changes on RNA splicing suggest that this variant may disrupt the consensus splice site. For these reasons, this variant has been classified as Pathogenic.

Literature cited by the submitters: PubMed 16199547; PubMed 10712197; PubMed 23913538; PubMed 18041031.